The following is an entry in ClinVar:

NM_001355436.2(SPTB):c.2549T>C (p.Leu850Pro)

Gene: SPTB (spectrin beta, erythrocytic; minus strand). Cytogenetic location: 14q23.3.
Variant type: single nucleotide variant.
Coding change: c.2549T>C on transcript NM_001355436.2 (MANE Select); coding-DNA position 2549, T replaced by C.
Protein change: p.Leu850Pro; replaces leucine 850 with proline.
Molecular consequence: missense variant.
Genome position (GRCh38, 1-based): chr14:64,793,114, A>G on the plus strand (T>C on the coding strand, the complement: SPTB is on the minus strand). VCF-style: chr14-64793114-A-G. GRCh37 (hg19) VCF-style: chr14-65259832-A-G.
Other names: c.2549T>C, p.Leu850Pro (NM_001024858.4, NM_001355437.2); short protein forms L850P.
Identifiers: ClinVar variation 4685795 (VCV004685795.1).

ClinVar aggregate classification (germline): Uncertain significance (1 of 4 stars; one submission).

gnomAD v4.1: 9 of 1,614,116 alleles (0.00056%); highest among the groups gnomAD compares: Non-Finnish European, 0.00076%; no homozygotes.

Submission:

ARUP Laboratories, Molecular Genetics and Genomics, ARUP Laboratories
Classification: Uncertain significance. Last evaluated: 2025-05-02. Review status: criteria provided, single submitter. Criteria: ARUP Molecular Germline Variant Investigation Process 2024. Collection method: clinical testing. Allele origin: germline.
Comment: The SPTB c.2549T>C; p.Leu850Pro variant (rs1471849890), to our knowledge, is not reported in the medical literature or gene specific databases. This variant is only observed on one allele in the Genome Aggregation Database (v2.1.1), indicating it is not a common polymorphism. Computational analyses are uncertain whether this variant is neutral or deleterious (REVEL: 0.667). Due to limited information, the clinical significance of this variant is uncertain at this time.